The following is an entry in ClinVar:

NM_000843.4(GRM6):c.2422C>A (p.Gln808Lys)

Genes: GRM6 (glutamate metabotropic receptor 6; minus strand), ZNF454 (zinc finger protein 454; plus strand). Cytogenetic location: 5q35.3.
Variant type: single nucleotide variant.
Coding change: c.2422C>A on transcript NM_000843.4 (MANE Select); coding-DNA position 2422, C replaced by A.
Protein change: p.Gln808Lys; replaces glutamine 808 with lysine.
Molecular consequence: missense variant.
Genome position (GRCh38, 1-based): chr5:178,982,924, G>T on the plus strand (C>A on the coding strand, the complement: GRM6 is on the minus strand). VCF-style: chr5-178982924-G-T. GRCh37 (hg19) VCF-style: chr5-178409925-G-T.
Other names: short protein forms Q808K.
Identifiers: ClinVar variation 1431639 (VCV001431639.8), dbSNP rs2113314326, ClinGen allele CA362424070.
Genomic context (GRCh38, chr5:178,982,924, plus strand): 5'-TGACAGGCAGGAAACAGGCAGCGAGACCTCCTGGGGACCTCATTACCTTTTCAGCTGACT[G>T]GGCAGTGCCAAAGAAGATGGGCACGAATGCCAGCCAGATGATGCAGGTGGTGTACATGGT-3'
Protein context (NP_000834.2, residues 798-818): AFVPIFFGTA[Gln808Lys]SAEKIYIQTT

ClinVar aggregate classification (germline): Uncertain significance (1 of 4 stars; one submission).

Submission:

Labcorp Genetics (formerly Invitae), Labcorp
Classification: Uncertain significance. Last evaluated: 2022-03-17. Review status: criteria provided, single submitter. Criteria: Invitae Variant Classification Sherloc (09022015). Collection method: clinical testing. Allele origin: germline.
Comment: In summary, the available evidence is currently insufficient to determine the role of this variant in disease. Therefore, it has been classified as a Variant of Uncertain Significance. Algorithms developed to predict the effect of missense changes on protein structure and function are either unavailable or do not agree on the potential impact of this missense change (SIFT: "Deleterious"; PolyPhen-2: "Benign"; Align-GVGD: "Class C0"). This variant has not been reported in the literature in individuals affected with GRM6-related conditions. This variant is not present in population databases (gnomAD no frequency). This sequence change replaces glutamine, which is neutral and polar, with lysine, which is basic and polar, at codon 808 of the GRM6 protein (p.Gln808Lys).